The following is an entry in ClinVar:

ClinVar aggregate classification (germline): Uncertain significance (1 of 4 stars; one submission).

Submission:

Labcorp Genetics (formerly Invitae), Labcorp
Classification: Uncertain significance. Last evaluated: 2023-07-25. Review status: criteria provided, single submitter. Criteria: Invitae Variant Classification Sherloc (09022015). Collection method: clinical testing. Allele origin: germline.
Comment: In summary, the available evidence is currently insufficient to determine the role of this variant in disease. Therefore, it has been classified as a Variant of Uncertain Significance. This variant has not been reported in the literature in individuals affected with TET2-related conditions. This variant is present in population databases (no rsID available, gnomAD 0.007%). This variant, c.4625_4645del, results in the deletion of 7 amino acid(s) of the TET2 protein (p.Gln1542_Gln1548del), but otherwise preserves the integrity of the reading frame.

NM_001127208.3(TET2):c.4625_4645del (p.Gln1542_Gln1548del)

Genes: TET2 (tet methylcytosine dioxygenase 2; plus strand), TET2-AS1 (TET2 antisense RNA 1; minus strand). Cytogenetic location: 4q24.
Variant type: Deletion.
Coding change: c.4625_4645del on transcript NM_001127208.3 (MANE Select); coding-DNA positions 4625 to 4645, 21 bases deleted (AGAGACCCCAGCAGCAGCAGC).
Protein change: p.Gln1542_Gln1548del.
Molecular consequence: inframe deletion.
Genome position (GRCh38, 1-based): chr4:105,275,135-105,275,155, AGAGACCCCAGCAGCAGCAGC deleted; deleting any 21 consecutive bases within chr4:105,275,125-105,275,155 gives the same sequence; the c. name uses the placement nearest the transcript's 3' end. VCF-style (leftmost placement, unchanged base first): chr4-105275124-CCAGCAGCAGCAGAGACCCCAG-C. GRCh37 (hg19) VCF-style: chr4-106196281-CCAGCAGCAGCAGAGACCCCAG-C.
Identifiers: ClinVar variation 2910611 (VCV002910611.1), dbSNP rs1400483122, ClinGen allele CA554049318.